The following is an entry in ClinVar:

NM_198578.4(LRRK2):c.4334C>G (p.Ser1445Cys)

Gene: LRRK2 (leucine rich repeat kinase 2; plus strand). Cytogenetic location: 12q12.
Variant type: single nucleotide variant.
Coding change: c.4334C>G on transcript NM_198578.4 (MANE Select); coding-DNA position 4334, C replaced by G.
Protein change: p.Ser1445Cys; replaces serine 1445 with cysteine.
Molecular consequence: missense variant.
Genome position (GRCh38, 1-based): chr12:40,310,447, C>G. VCF-style: chr12-40310447-C-G. GRCh37 (hg19) VCF-style: chr12-40704249-C-G.
Other names: short protein forms S1445C.
Identifiers: ClinVar variation 1739802 (VCV001739802.2), dbSNP rs1945001552, ClinGen allele CA384418284.

ClinVar aggregate classification (germline): Uncertain significance (1 of 4 stars; one submission).

Conditions:
Inborn genetic diseases. Identifiers: MedGen C0950123, MeSH D030342.

Allele frequency attached by ClinVar (database versions not stated): gnomAD 0.00001.
gnomAD v4.1: 1 of 1,613,008 alleles (0.000062%); highest among the groups gnomAD compares: Admixed American, 0.0017%; no homozygotes.

Submission:

Ambry Genetics
Classification: Uncertain significance for Inborn genetic diseases. Last evaluated: 2021-09-12. Review status: criteria provided, single submitter. Criteria: Ambry Variant Classification Scheme 2023. Collection method: clinical testing. Allele origin: germline.
Comment: The p.S1445C variant (also known as c.4334C>G), located in coding exon 31 of the LRRK2 gene, results from a C to G substitution at nucleotide position 4334. The serine at codon 1445 is replaced by cysteine, an amino acid with dissimilar properties. This amino acid position is conserved. In addition, the in silico prediction for this alteration is inconclusive. Since supporting evidence is limited at this time, the clinical significance of this alteration remains unclear.